The following is an entry in ClinVar:

ClinVar aggregate classification (germline): Uncertain significance (1 of 4 stars; one submission).

Conditions:
L-2-hydroxyglutaric aciduria (L2HGA). Identifiers: Orphanet 79314, MedGen C1855995, MONDO:0009370, OMIM 236792, HP:0040144.

Allele frequency attached by ClinVar (database versions not stated): gnomAD exomes below 0.00001.
gnomAD v4.1: 1 of 1,613,922 alleles (0.000062%); highest among the groups gnomAD compares: Admixed American, 0.0017%; no homozygotes.

Submission:

Labcorp Genetics (formerly Invitae), Labcorp
Classification: Uncertain significance for L-2-hydroxyglutaric aciduria. Last evaluated: 2022-10-17. Review status: criteria provided, single submitter. Criteria: Invitae Variant Classification Sherloc (09022015). Collection method: clinical testing. Allele origin: germline.
Comment: In summary, the available evidence is currently insufficient to determine the role of this variant in disease. Therefore, it has been classified as a Variant of Uncertain Significance. This variant disrupts the p.Ala62Asp amino acid residue in L2HGDH. Other variant(s) that disrupt this residue have been determined to be pathogenic (PMID: 18780161, 25033591). This suggests that this residue is clinically significant, and that variants that disrupt this residue are likely to be disease-causing. Algorithms developed to predict the effect of missense changes on protein structure and function (SIFT, PolyPhen-2, Align-GVGD) all suggest that this variant is likely to be disruptive. This variant has not been reported in the literature in individuals affected with L2HGDH-related conditions. This variant is present in population databases (no rsID available, gnomAD 0.003%). This sequence change replaces alanine, which is neutral and non-polar, with threonine, which is neutral and polar, at codon 62 of the L2HGDH protein (p.Ala62Thr).

Literature cited by the submitters: PubMed 18780161; PubMed 25033591.

NM_024884.3(L2HGDH):c.184G>A (p.Ala62Thr)

Gene: L2HGDH (L-2-hydroxyglutarate dehydrogenase; minus strand). Cytogenetic location: 14q21.3.
Variant type: single nucleotide variant.
Coding change: c.184G>A on transcript NM_024884.3 (MANE Select); coding-DNA position 184, G replaced by A.
Protein change: p.Ala62Thr; replaces alanine 62 with threonine.
Molecular consequence: missense variant.
Genome position (GRCh38, 1-based): chr14:50,302,974, C>T on the plus strand (G>A on the coding strand, the complement: L2HGDH is on the minus strand). VCF-style: chr14-50302974-C-T. GRCh37 (hg19) VCF-style: chr14-50769692-C-T.
Other names: short protein forms A62T.
Identifiers: ClinVar variation 2201120 (VCV002201120.4), dbSNP rs1276381557, ClinGen allele CA389659610.